The following is an entry in ClinVar:

ClinVar aggregate classification (germline): Pathogenic (1 of 4 stars; one submission).

Conditions:
Polyglandular autoimmune syndrome, type 1 (APS1). Also called: Autoimmune polyendocrine syndrome type 1; Autoimmune polyendocrinopathy syndrome , type I, with or without reversible metaphyseal dysplasia; HYPOADRENOCORTICISM WITH HYPOPARATHYROIDISM AND SUPERFICIAL MONILIASIS; PGA I; AUTOIMMUNE POLYENDOCRINE SYNDROME, TYPE I, WITH OR WITHOUT REVERSIBLE METAPHYSEAL DYSPLASIA; APS I. Identifiers: Orphanet 3453, MedGen C0085859, MONDO:0009411, OMIM 240300.

Submission:

Labcorp Genetics (formerly Invitae), Labcorp
Classification: Pathogenic for Polyglandular autoimmune syndrome, type 1. Last evaluated: 2019-09-22. Review status: criteria provided, single submitter. Criteria: Invitae Variant Classification Sherloc (09022015). Collection method: clinical testing. Allele origin: germline.
Comment: For these reasons, this variant has been classified as Pathogenic. Disruption of the initiator codon has been observed in several individuals affected with autoimmune polyendocrinopathy syndrome (PMID: 28911151, 20407228, 19758376, 28446514). The frequency data for this variant in the population databases is considered unreliable, as metrics indicate insufficient coverage at this position in the ExAC database. This sequence change affects the initiator methionine of the AIRE mRNA. The next in-frame methionine is located at codon 184.

Literature cited by the submitters: PubMed 28911151; PubMed 20407228; PubMed 19758376; PubMed 28446514.

NM_000383.4(AIRE):c.-17_27del (p.Met1fs)

Gene: AIRE (autoimmune regulator; plus strand). Cytogenetic location: 21q22.3.
Variant type: Deletion.
Coding change: c.-17_27del on transcript NM_000383.4 (MANE Select); 17 bases upstream of the start codon through coding-DNA position 27, 44 bases deleted.
Protein change: p.Met1fs; shifts the reading frame from methionine 1.
Molecular consequence: frameshift variant, initiator codon variant.
Genome position (GRCh38, 1-based): chr21:44,285,990-44,286,033, 44 bases deleted; deleting any 44 consecutive bases within chr21:44,285,986-44,286,033 gives the same sequence; the c. name uses the placement nearest the transcript's 3' end. GRCh37 (hg19): chr21:45,705,873-45,705,916.
Other names: short protein forms M1fs.
Identifiers: ClinVar variation 954404 (VCV000954404.10), dbSNP rs2040477031, ClinGen allele CA1139666887.